The following is an entry in ClinVar:

NM_001291303.3(FAT4):c.12414G>T (p.Glu4138Asp)

Gene: FAT4 (FAT atypical cadherin 4; plus strand). Cytogenetic location: 4q28.1.
Variant type: single nucleotide variant.
Coding change: c.12414G>T on transcript NM_001291303.3 (MANE Select); coding-DNA position 12414, G replaced by T.
Protein change: p.Glu4138Asp; replaces glutamic acid 4138 with aspartic acid.
Molecular consequence: missense variant.
Genome position (GRCh38, 1-based): chr4:125,477,269, G>T. VCF-style: chr4-125477269-G-T. GRCh37 (hg19) VCF-style: chr4-126398424-G-T.
Other names: c.12414G>T, p.Glu4138Asp (NM_001291285.3); c.12408G>T, p.Glu4136Asp (NM_024582.6); short protein forms E4136D, E4138D.
Identifiers: ClinVar variation 1472524 (VCV001472524.4), dbSNP rs754509390, ClinGen allele CA3074084.

ClinVar aggregate classification (germline): Uncertain significance (1 of 4 stars; one submission).

Allele frequency attached by ClinVar (database versions not stated): gnomAD 0.00001.
gnomAD v4.1: 13 of 1,584,236 alleles (0.00082%); highest among the groups gnomAD compares: Non-Finnish European, 0.0011%; no homozygotes.

Submission:

Labcorp Genetics (formerly Invitae), Labcorp
Classification: Uncertain significance. Last evaluated: 2023-08-10. Review status: criteria provided, single submitter. Criteria: Invitae Variant Classification Sherloc (09022015). Collection method: clinical testing. Allele origin: germline.
Comment: This sequence change replaces glutamic acid, which is acidic and polar, with aspartic acid, which is acidic and polar, at codon 4136 of the FAT4 protein (p.Glu4136Asp). The frequency data for this variant in the population databases is considered unreliable, as metrics indicate poor data quality at this position in the gnomAD database. This variant has not been reported in the literature in individuals affected with FAT4-related conditions. ClinVar contains an entry for this variant (Variation ID: 1472524). Advanced modeling of protein sequence and biophysical properties (such as structural, functional, and spatial information, amino acid conservation, physicochemical variation, residue mobility, and thermodynamic stability) performed at Invitae indicates that this missense variant is not expected to disrupt FAT4 protein function. In summary, the available evidence is currently insufficient to determine the role of this variant in disease. Therefore, it has been classified as a Variant of Uncertain Significance.